The following is an entry in ClinVar:

NM_021956.5(GRIK2):c.243G>T (p.Gln81His)

Gene: GRIK2 (glutamate ionotropic receptor kainate type subunit 2; plus strand). Cytogenetic location: 6q16.3.
Variant type: single nucleotide variant.
Coding change: c.243G>T on transcript NM_021956.5 (MANE Select); coding-DNA position 243, G replaced by T.
Protein change: p.Gln81His; replaces glutamine 81 with histidine.
Molecular consequence: missense variant.
Genome position (GRCh38, 1-based): chr6:101,622,076, G>T. VCF-style: chr6-101622076-G-T. GRCh37 (hg19) VCF-style: chr6-102069951-G-T.
Other names: c.243G>T, p.Gln81His (NM_001166247.1, NM_175768.3); short protein forms Q81H.
Identifiers: ClinVar variation 3767541 (VCV003767541.2).

ClinVar aggregate classification (germline): Uncertain significance (1 of 4 stars; one submission).

Submission:

GeneDx
Classification: Uncertain significance. Last evaluated: 2026-10-05. Review status: criteria provided, single submitter. Criteria: GeneDx Variant Classification Process June 2021. Collection method: clinical testing. Allele origin: germline.
Comment: Not observed at significant frequency in large population cohorts (gnomAD); In silico analysis supports that this missense variant has a deleterious effect on protein structure/function; Has not been previously published as pathogenic or benign to our knowledge